The following is an entry in ClinVar:

NM_005529.7(HSPG2):c.1525C>T (p.His509Tyr)

Gene: HSPG2 (heparan sulfate proteoglycan 2; minus strand). Cytogenetic location: 1p36.12.
Variant type: single nucleotide variant.
Coding change: c.1525C>T on transcript NM_005529.7 (MANE Select); coding-DNA position 1525, C replaced by T.
Protein change: p.His509Tyr; replaces histidine 509 with tyrosine.
Molecular consequence: missense variant.
Genome position (GRCh38, 1-based): chr1:21,884,657, G>A on the plus strand (C>T on the coding strand, the complement: HSPG2 is on the minus strand). VCF-style: chr1-21884657-G-A. GRCh37 (hg19) VCF-style: chr1-22211150-G-A.
Other names: c.1528C>T, p.His510Tyr (NM_001291860.2); short protein forms H509Y, H510Y.
Identifiers: ClinVar variation 295892 (VCV000295892.23), dbSNP rs142071466, ClinGen allele CA673395.

ClinVar aggregate classification (germline): Conflicting classifications of pathogenicity. Review status: criteria provided, conflicting classifications (1 of 4 stars). 9 submissions from 8 submitters: Uncertain significance (2); Likely benign (7). Last evaluated 2026-01-14.

Conditions:
Lethal Kniest-like syndrome (DDSH). Also called: Dyssegmental Dysplasia. Identifiers: Orphanet 1865, MedGen C1857100, MONDO:0009140, OMIM 224410.
Schwartz-Jampel syndrome. Also called: Myotonic myopathy dwarfism chondrodystrophy and ocular and facial abnormalities. Identifiers: Orphanet 800, MedGen C0036391, MONDO:0009717.
HSPG2-related disorder. Also called: HSPG2-related condition; HSPG2-related disorders.

Allele frequency attached by ClinVar (database versions not stated): 1000 Genomes Project 30x 0.00031; 1000 Genomes Project 0.00040; TOPMed 0.00072; ESP Exome Variant Server 0.00077; gnomAD 0.00103 and 0.00106; gnomAD exomes 0.00115 and 0.00118; ExAC 0.00132.
gnomAD v4.1: 1,855 of 1,612,040 alleles (0.12%); highest among the groups gnomAD compares: Non-Finnish European, 0.12%; 3 homozygotes.

Submissions (9):

Labcorp Genetics (formerly Invitae), Labcorp
Classification: Likely benign. Last evaluated: 2026-01-14. Review status: criteria provided, single submitter. Criteria: Invitae Variant Classification Sherloc (09022015). Collection method: clinical testing. Allele origin: germline.

PreventionGenetics, part of Exact Sciences
Classification: Likely benign for HSPG2-related condition. Last evaluated: 2025-06-05. Review status: criteria provided, single submitter. Criteria: ACMG Guidelines, 2015. Collection method: clinical testing. Allele origin: germline.
Comment: This variant is classified as likely benign based on ACMG/AMP sequence variant interpretation guidelines (Richards et al. 2015 PMID: 25741868, with internal and published modifications).

Athena Diagnostics
Classification: Likely benign. Last evaluated: 2024-11-26. Review status: criteria provided, single submitter. Criteria: Athena Diagnostics Criteria. Collection method: clinical testing. Allele origin: unknown.

Blueprint Genetics
Classification: Likely benign. Last evaluated: 2024-11-21. Review status: criteria provided, single submitter. Criteria: ACMG Guidelines, 2015. Collection method: clinical testing. Allele origin: germline.

Department of Pathology and Laboratory Medicine, Sinai Health System
Classification: Likely benign for Silverman-Handmaker type dyssegmental dysplasia. Last evaluated: 2021-07-30. Review status: criteria provided, single submitter. Criteria: ACMG Guidelines, 2015. Collection method: research. Allele origin: germline.

GeneDx
Classification: Likely benign. Last evaluated: 2020-03-03. Review status: criteria provided, single submitter. Criteria: GeneDx Variant Classification Process June 2021. Collection method: clinical testing. Allele origin: germline. Affected: yes.
Comment: In silico analysis, which includes protein predictors and evolutionary conservation, supports a deleterious effect; Has not been previously published as pathogenic or benign to our knowledge

Illumina Laboratory Services, Illumina
Classification: Uncertain significance for Schwartz-Jampel syndrome type 1. Last evaluated: 2018-01-13. Review status: criteria provided, single submitter. Criteria: ICSL Variant Classification Criteria 13 December 2019. Collection method: clinical testing. Allele origin: germline.

Illumina Laboratory Services, Illumina
Classification: Uncertain significance for Lethal Kniest-like syndrome. Last evaluated: 2018-01-13. Review status: criteria provided, single submitter. Criteria: ICSL Variant Classification Criteria 13 December 2019. Collection method: clinical testing. Allele origin: germline.

Eurofins Ntd Llc (ga)
Classification: Likely benign. Last evaluated: 2017-01-26. Review status: criteria provided, single submitter. Criteria: EGL Classification Definitions 2015. Collection method: clinical testing. Allele origin: germline. Observed: 1 variant allele, 1 heterozygote.